The following is an entry in ClinVar:

ClinVar aggregate classification (germline): Uncertain significance. Review status: criteria provided, multiple submitters, no conflicts (2 of 4 stars). 2 submissions from 2 submitters: Uncertain significance (2). Last evaluated 2024-12-23.

Conditions:
Congenital myasthenic syndrome 8. Also called: Myasthenic syndrome, congenital, 8, with pre- and postsynaptic defects; MYASTHENIC SYNDROME, CONGENITAL, DUE TO AGRIN DEFICIENCY. Identifiers: Orphanet 590, MedGen C3808739, MONDO:0014052, OMIM 615120.

Allele frequency attached by ClinVar (database versions not stated): gnomAD exomes 0.00003 and 0.00004; TOPMed 0.00003; gnomAD 0.00004; ESP Exome Variant Server 0.00008; ExAC 0.00010.
gnomAD v4.1: 46 of 1,598,522 alleles (0.0029%); highest among the groups gnomAD compares: Middle Eastern, 0.017%; no homozygotes.

Submissions (2):

Labcorp Genetics (formerly Invitae), Labcorp
Classification: Uncertain significance for Congenital myasthenic syndrome 8. Last evaluated: 2024-12-23. Review status: criteria provided, single submitter. Criteria: Invitae Variant Classification Sherloc (09022015). Collection method: clinical testing. Allele origin: germline.
Comment: This sequence change replaces valine, which is neutral and non-polar, with isoleucine, which is neutral and non-polar, at codon 1833 of the AGRN protein (p.Val1833Ile). This variant is present in population databases (rs377622440, gnomAD 0.008%). This variant has not been reported in the literature in individuals affected with AGRN-related conditions. ClinVar contains an entry for this variant (Variation ID: 1398360). An algorithm developed to predict the effect of missense changes on protein structure and function outputs the following: PolyPhen-2: "Benign". The isoleucine amino acid residue is found in multiple mammalian species, which suggests that this missense change does not adversely affect protein function. In summary, the available evidence is currently insufficient to determine the role of this variant in disease. Therefore, it has been classified as a Variant of Uncertain Significance.

Revvity Omics, Revvity
Classification: Uncertain significance for Congenital myasthenic syndrome 8. Last evaluated: 2023-11-17. Review status: criteria provided, single submitter. Criteria: ACMG Guidelines, 2015. Collection method: clinical testing. Allele origin: germline.

NM_198576.4(AGRN):c.5497G>A (p.Val1833Ile)

Gene: AGRN (agrin; plus strand). Cytogenetic location: 1p36.33.
Variant type: single nucleotide variant.
Coding change: c.5497G>A on transcript NM_198576.4 (MANE Select); coding-DNA position 5497, G replaced by A.
Protein change: p.Val1833Ile; replaces valine 1833 with isoleucine.
Molecular consequence: missense variant.
Genome position (GRCh38, 1-based): chr1:1,051,579, G>A. VCF-style: chr1-1051579-G-A. GRCh37 (hg19) VCF-style: chr1-986959-G-A.
Other names: c.5509G>A, p.Val1837Ile (NM_001305275.2); c.5194G>A, p.Val1732Ile (NM_001364727.2); short protein forms V1732I, V1837I, V1833I.
Identifiers: ClinVar variation 1398360 (VCV001398360.7), dbSNP rs377622440, ClinGen allele CA510052.